The following is an entry in ClinVar:

ClinVar aggregate classification (germline): Conflicting classifications of pathogenicity. Review status: criteria provided, conflicting classifications (1 of 4 stars). 7 submissions from 7 submitters: Uncertain significance (6); Likely benign (1). Last evaluated 2026-04-16.

Conditions:
Hereditary nonpolyposis colorectal neoplasms. Identifiers: MedGen C0009405, MeSH D003123.
Hereditary cancer-predisposing syndrome. Also called: Hereditary Cancer Syndrome; Hereditary neoplastic syndrome; Tumor predisposition; Neoplastic Syndromes, Hereditary. Identifiers: Orphanet 140162, MedGen C0027672, MeSH D009386, MONDO:0015356.
Lynch syndrome 5 (LYNCH5). Also called: Hereditary non-polyposis colorectal cancer, type 5; Colorectal cancer, hereditary nonpolyposis, type 5. Identifiers: Orphanet 144, MedGen C1833477, MONDO:0013710, OMIM 614350. Disease mechanism: loss of function.
Endometrial carcinoma. Also called: Endometrial carcinoma, somatic. Identifiers: MedGen C0476089, MONDO:0002447, OMIM 608089, HP:0012114.

Submissions (7):

Women's Health and Genetics/Laboratory Corporation of America, LabCorp
Classification: Uncertain significance. Last evaluated: 2026-04-16. Review status: criteria provided, single submitter. Criteria: LabCorp Variant Classification Summary - May 2015. Collection method: clinical testing. Allele origin: germline.
Comment: Variant summary: MSH6 c.3549_3551delAAT (p.Ile1183del) results in an in-frame deletion that is predicted to remove one amino acid from the encoded protein. The variant allele was found at a frequency of 4e-06 in 251154 control chromosomes (gnomAD). The available data on variant occurrences in the general population are insufficient to allow any conclusion about variant significance. To our knowledge, no occurrence of c.3549_3551delAAT in individuals affected with MSH6-related conditions and no experimental evidence demonstrating its impact on protein function have been reported. The following publications have been ascertained in the context of this evaluation (PMID: 33057194, 35982159). ClinVar contains an entry for this variant (Variation ID: 655843). Based on the evidence outlined above, the variant was classified as uncertain significance.

Labcorp Genetics (formerly Invitae), Labcorp
Classification: Likely benign for Hereditary nonpolyposis colorectal neoplasms. Last evaluated: 2025-10-01. Review status: criteria provided, single submitter. Criteria: Invitae Variant Classification Sherloc (09022015). Collection method: clinical testing. Allele origin: germline.

Center for Genomic Medicine, Rigshospitalet, Copenhagen University Hospital
Classification: Uncertain significance. Last evaluated: 2025-03-04. Review status: criteria provided, single submitter. Criteria: ACMG Guidelines, 2015. Collection method: clinical testing. Allele origin: germline.

Molecular Pathology, Peter Maccallum Cancer Centre
Classification: Uncertain significance for Lynch syndrome 5. Last evaluated: 2025-01-06. Review status: criteria provided, single submitter. Criteria: ACMG Guidelines, 2015. Collection method: clinical testing. Allele origin: germline. Inheritance: Autosomal dominant inheritance.

Ambry Genetics
Classification: Uncertain significance for Hereditary cancer-predisposing syndrome. Last evaluated: 2024-06-28. Review status: criteria provided, single submitter. Criteria: Ambry Variant Classification Scheme 2023. Collection method: clinical testing. Allele origin: germline.
Comment: The c.3549_3551delAAT variant (also known as p.I1183del) is located in coding exon 6 of the MSH6 gene. This variant results from an in-frame AAT deletion at nucleotide positions 3549 to 3551. This results in the in-frame deletion of an isoleucine at codon 1183. This amino acid position is highly conserved in available vertebrate species. In addition, this alteration is predicted to be deleterious by in silico analysis (Choi Y et al. PLoS ONE. 2012; 7(10):e46688). Since supporting evidence is limited at this time, the clinical significance of this alteration remains unclear.

Quest Diagnostics Nichols Institute San Juan Capistrano
Classification: Uncertain significance. Last evaluated: 2024-03-29. Review status: criteria provided, single submitter. Criteria: Quest Diagnostics criteria. Collection method: clinical testing. Allele origin: unknown.
Comment: The MSH6 c.3549_3551del (p.Ile1183del) variant has not been reported in individuals with MSH6-related conditions in the published literature. The frequency of this variant in the general population, 0.000004 (1/251154 chromosomes (Genome Aggregation Database)), is uninformative in the assessment of its pathogenicity. Based on the available information, we are unable to determine the clinical significance of this variant.

Baylor Genetics
Classification: Uncertain significance for Endometrial carcinoma. Last evaluated: 2022-05-23. Review status: criteria provided, single submitter. Criteria: ACMG Guidelines, 2015. Collection method: clinical testing. Allele origin: unknown.

Literature cited by the submitters: PubMed 35982159 (cited by Women's Health and Genetics/Laboratory Corporation of America, LabCorp); PubMed 33057194 (cited by Women's Health and Genetics/Laboratory Corporation of America, LabCorp).

NM_000179.3(MSH6):c.3546AAT[1] (p.Ile1183del)

Gene: MSH6 (mutS homolog 6; plus strand). Cytogenetic location: 2p16.3.
Variant type: Microsatellite.
Coding change: c.3546AAT[1] on transcript NM_000179.3 (MANE Select); one copy of the 3-base unit AAT starting at c.3546; the reference has two copies in a row; one copy, 3 bases deleted; also written c.3549_3551del.
Protein change: p.Ile1183del; deletes isoleucine 1183.
Molecular consequence: inframe deletion.
Genome position (GRCh38, 1-based): chr2:47,805,020-47,805,022, AAT deleted; deleting any 3 consecutive bases within chr2:47,805,017-47,805,022 gives the same sequence; the position shown is the placement nearest the transcript's 3' end. VCF-style (leftmost placement, unchanged base first): chr2-47805016-GAAT-G. GRCh37 (hg19) VCF-style: chr2-48032155-GAAT-G.
Other names: c.3549_3551del (NM_000179.2, NM_000179.3); c.3549_3551delAAT (NM_000179.3); c.3156AAT[1], p.Ile1053del (NM_001281492.2); c.2640AAT[1], p.Ile881del (NM_001281493.2, NM_001281494.2); short protein forms I1183del, I881del, I1053del.
Identifiers: ClinVar variation 655843 (VCV000655843.25), dbSNP rs751279985, ClinGen allele CA071179.